The following is an entry in ClinVar:

ClinVar aggregate classification (germline): Likely benign (0 of 4 stars; one submission).

Conditions:
FAT3-related disorder. Also called: FAT3-related condition.

Allele frequency attached by ClinVar (database versions not stated): gnomAD exomes 0.00009; ExAC 0.00028; ESP Exome Variant Server 0.00088; gnomAD 0.00110; TOPMed 0.00128; 1000 Genomes Project 0.00160; 1000 Genomes Project 30x 0.00172.
gnomAD v4.1: 314 of 1,613,850 alleles (0.019%); highest among the groups gnomAD compares: African/African-American, 0.36%; no homozygotes.

Submission:

PreventionGenetics, part of Exact Sciences
Classification: Likely benign for FAT3-related condition. Last evaluated: 2023-03-28. Review status: no assertion criteria provided. Collection method: clinical testing. Allele origin: germline.
Comment: This variant is classified as likely benign based on ACMG/AMP sequence variant interpretation guidelines (Richards et al. 2015 PMID: 25741868, with internal and published modifications).

NM_001367949.2(FAT3):c.4434G>T (p.Glu1478Asp)

Gene: FAT3 (FAT atypical cadherin 3; plus strand). Cytogenetic location: 11q14.3.
Variant type: single nucleotide variant.
Coding change: c.4434G>T on transcript NM_001367949.2 (MANE Select); coding-DNA position 4434, G replaced by T.
Protein change: p.Glu1478Asp; replaces glutamic acid 1478 with aspartic acid.
Molecular consequence: missense variant.
Genome position (GRCh38, 1-based): chr11:92,790,041, G>T. VCF-style: chr11-92790041-G-T. GRCh37 (hg19) VCF-style: chr11-92523207-G-T.
Other names: c.4434G>T, p.Glu1478Asp (NM_001008781.3); short protein forms E1478D.
Identifiers: ClinVar variation 3053549 (VCV003053549.2), dbSNP rs201768802, ClinGen allele CA6226927.